The following is an entry in ClinVar:

NM_006389.5(HYOU1):c.2744G>A (p.Arg915Gln)

Gene: HYOU1 (hypoxia up-regulated 1; minus strand). Cytogenetic location: 11q23.3.
Variant type: single nucleotide variant.
Coding change: c.2744G>A on transcript NM_006389.5 (MANE Select); coding-DNA position 2744, G replaced by A.
Protein change: p.Arg915Gln; replaces arginine 915 with glutamine.
Molecular consequence: missense variant.
Genome position (GRCh38, 1-based): chr11:119,046,654, C>T on the plus strand (G>A on the coding strand, the complement: HYOU1 is on the minus strand). VCF-style: chr11-119046654-C-T. GRCh37 (hg19) VCF-style: chr11-118917366-C-T.
Other names: c.2744G>A, p.Arg915Gln (NM_001130991.3, NM_001411041.1); short protein forms R915Q.
Identifiers: ClinVar variation 1946991 (VCV001946991.5), dbSNP rs552980302, ClinGen allele CA229616908.

ClinVar aggregate classification (germline): Uncertain significance (1 of 4 stars; one submission).

Allele frequency attached by ClinVar (database versions not stated): TOPMed 0.00002; gnomAD 0.00003; gnomAD exomes 0.00004; 1000 Genomes Project 30x 0.00031.
gnomAD v4.1: 62 of 1,614,158 alleles (0.0038%); highest among the groups gnomAD compares: South Asian, 0.056%; no homozygotes.

Submission:

Labcorp Genetics (formerly Invitae), Labcorp
Classification: Uncertain significance. Last evaluated: 2024-06-09. Review status: criteria provided, single submitter. Criteria: Invitae Variant Classification Sherloc (09022015). Collection method: clinical testing. Allele origin: germline.
Comment: This sequence change replaces arginine, which is basic and polar, with glutamine, which is neutral and polar, at codon 915 of the HYOU1 protein (p.Arg915Gln). This variant is present in population databases (rs552980302, gnomAD 0.07%), and has an allele count higher than expected for a pathogenic variant. This variant has not been reported in the literature in individuals affected with HYOU1-related conditions. ClinVar contains an entry for this variant (Variation ID: 1946991). An algorithm developed to predict the effect of missense changes on protein structure and function (PolyPhen-2) suggests that this variant is likely to be tolerated. In summary, the available evidence is currently insufficient to determine the role of this variant in disease. Therefore, it has been classified as a Variant of Uncertain Significance.